The following is an entry in ClinVar:

NM_018993.4(RIN2):c.41G>A (p.Arg14Gln)

Gene: RIN2 (Ras and Rab interactor 2; plus strand). Cytogenetic location: 20p11.23.
Variant type: single nucleotide variant.
Coding change: c.41G>A on transcript NM_018993.4 (MANE Select); coding-DNA position 41, G replaced by A.
Protein change: p.Arg14Gln; replaces arginine 14 with glutamine.
Molecular consequence: missense variant. On other transcripts: 5 prime UTR variant (1).
Genome position (GRCh38, 1-based): chr20:19,889,642, G>A. VCF-style: chr20-19889642-G-A. GRCh37 (hg19) VCF-style: chr20-19870286-G-A.
Other names: c.188G>A, p.Arg63Gln (NM_001242581.2); c.-505G>A (NM_001378238.1); short protein forms R14Q, R63Q.
Identifiers: ClinVar variation 1187886 (VCV001187886.12), dbSNP rs367797077, ClinGen allele CA9779686.

ClinVar aggregate classification (germline): Conflicting classifications of pathogenicity. Review status: criteria provided, conflicting classifications (1 of 4 stars). 5 submissions from 5 submitters: Uncertain significance (4); Likely benign (1). Last evaluated 2025-06-10.

Conditions:
Inborn genetic diseases. Identifiers: MedGen C0950123, MeSH D030342.
RIN2 syndrome. Also called: TALL FOREHEAD, SPARSE HAIR, SKIN HYPEREXTENSIBILITY, AND SCOLIOSIS; MACS SYNDROME. Identifiers: Orphanet 217335, MedGen C2751321, MONDO:0013115, OMIM 613075.

Allele frequency attached by ClinVar (database versions not stated): ESP Exome Variant Server 0.00008; ExAC 0.00017; TOPMed 0.00023; gnomAD 0.00027 and 0.00032; 1000 Genomes Project 0.00040; 1000 Genomes Project 30x 0.00047; gnomAD exomes 0.00003 and 0.00006.

Submissions (5):

Ambry Genetics
Classification: Uncertain significance for Inborn genetic diseases. Last evaluated: 2025-06-10. Review status: criteria provided, single submitter. Criteria: Ambry Variant Classification Scheme 2023. Collection method: clinical testing. Allele origin: germline.

Labcorp Genetics (formerly Invitae), Labcorp
Classification: Uncertain significance. Last evaluated: 2024-12-19. Review status: criteria provided, single submitter. Criteria: Invitae Variant Classification Sherloc (09022015). Collection method: clinical testing. Allele origin: germline.
Comment: This sequence change replaces arginine, which is basic and polar, with glutamine, which is neutral and polar, at codon 14 of the RIN2 protein (p.Arg14Gln). This variant is present in population databases (rs367797077, gnomAD 0.08%). This variant has not been reported in the literature in individuals affected with RIN2-related conditions. ClinVar contains an entry for this variant (Variation ID: 1187886). Experimental studies and prediction algorithms are not available or were not evaluated, and the functional significance of this variant is currently unknown. In summary, the available evidence is currently insufficient to determine the role of this variant in disease. Therefore, it has been classified as a Variant of Uncertain Significance.

3billion
Classification: Likely benign for RIN2 syndrome. Last evaluated: 2024-09-20. Review status: criteria provided, single submitter. Criteria: ACMG Guidelines, 2015. Collection method: clinical testing. Allele origin: germline. Affected: no.
Comment: The homozygous variant was found in patients diagnosed with another variant in a different gene, with no symptoms related to the gene containing the homozygous variant.

Revvity Omics, Revvity
Classification: Uncertain significance for RIN2 syndrome. Last evaluated: 2021-08-16. Review status: criteria provided, single submitter. Criteria: ACMG Guidelines, 2015. Collection method: clinical testing. Allele origin: germline.

GeneDx
Classification: Uncertain significance. Last evaluated: 2021-06-04. Review status: criteria provided, single submitter. Criteria: GeneDx Variant Classification Process June 2021. Collection method: clinical testing. Allele origin: germline. Affected: yes.
Comment: In silico analysis supports that this missense variant does not alter protein structure/function; Has not been previously published as pathogenic or benign to our knowledge; This variant is associated with the following publications: (PMID: 27535533)